The following is an entry in ClinVar:

ClinVar aggregate classification (germline): Uncertain significance (1 of 4 stars; one submission).

Conditions:
Dystonic disorder. Also called: Dystonia. Identifiers: MedGen C0013421, MONDO:0003441, HP:0001332.

Submission:

Labcorp Genetics (formerly Invitae), Labcorp
Classification: Uncertain significance for Dystonic disorder. Last evaluated: 2022-04-24. Review status: criteria provided, single submitter. Criteria: Invitae Variant Classification Sherloc (09022015). Collection method: clinical testing. Allele origin: germline.
Comment: This sequence change replaces isoleucine, which is neutral and non-polar, with arginine, which is basic and polar, at codon 809 of the ANO3 protein (p.Ile809Arg). This variant is not present in population databases (gnomAD no frequency). This variant has not been reported in the literature in individuals affected with ANO3-related conditions. Algorithms developed to predict the effect of missense changes on protein structure and function are either unavailable or do not agree on the potential impact of this missense change (SIFT: "Deleterious"; PolyPhen-2: "Probably Damaging"; Align-GVGD: "Class C0"). In summary, the available evidence is currently insufficient to determine the role of this variant in disease. Therefore, it has been classified as a Variant of Uncertain Significance.

NM_031418.4(ANO3):c.2426T>G (p.Ile809Arg)

Gene: ANO3 (anoctamin 3; plus strand). Cytogenetic location: 11p14.2.
Variant type: single nucleotide variant.
Coding change: c.2426T>G on transcript NM_031418.4 (MANE Select); coding-DNA position 2426, T replaced by G.
Protein change: p.Ile809Arg; replaces isoleucine 809 with arginine.
Molecular consequence: missense variant.
Genome position (GRCh38, 1-based): chr11:26,643,332, T>G. VCF-style: chr11-26643332-T-G. GRCh37 (hg19) VCF-style: chr11-26664879-T-G.
Other names: c.2609T>G, p.Ile870Arg (NM_001313726.2); c.1988T>G, p.Ile663Arg (NM_001313727.2); short protein forms I663R, I809R, I870R.
Identifiers: ClinVar variation 2129878 (VCV002129878.4), dbSNP rs1590669793, ClinGen allele CA379939202.